The following is an entry in ClinVar:

ClinVar aggregate classification (germline): Uncertain significance. Review status: criteria provided, multiple submitters, no conflicts (2 of 4 stars). 2 submissions from 2 submitters: Uncertain significance (2). Last evaluated 2022-07-06.

Conditions:
Infantile-onset X-linked spinal muscular atrophy. Also called: Spinal muscular atrophy, X-linked 2; ARTHROGRYPOSIS, X-LINKED, TYPE I; SPINAL MUSCULAR ATROPHY, X-LINKED LETHAL INFANTILE; AMC, DISTAL, X-LINKED; Spinal Muscular Atrophy, X-Linked Infantile. Identifiers: Orphanet 1145, MedGen C1844934, MONDO:0010532, OMIM 301830.

Submissions (2):

Labcorp Genetics (formerly Invitae), Labcorp
Classification: Uncertain significance for Infantile-onset X-linked spinal muscular atrophy. Last evaluated: 2022-07-06. Review status: criteria provided, single submitter. Criteria: Invitae Variant Classification Sherloc (09022015). Collection method: clinical testing. Allele origin: germline.
Comment: ClinVar contains an entry for this variant (Variation ID: 1318791). Algorithms developed to predict the effect of missense changes on protein structure and function are either unavailable or do not agree on the potential impact of this missense change (SIFT: "Deleterious"; PolyPhen-2: "Possibly Damaging"; Align-GVGD: "Class C0"). In summary, the available evidence is currently insufficient to determine the role of this variant in disease. Therefore, it has been classified as a Variant of Uncertain Significance. This sequence change replaces aspartic acid, which is acidic and polar, with tyrosine, which is neutral and polar, at codon 563 of the UBA1 protein (p.Asp563Tyr). This variant is not present in population databases (gnomAD no frequency). This variant has not been reported in the literature in individuals affected with UBA1-related conditions.

GeneDx
Classification: Uncertain significance. Last evaluated: 2020-02-13. Review status: criteria provided, single submitter. Criteria: GeneDx Variant Classification Process June 2021. Collection method: clinical testing. Allele origin: germline. Affected: yes.
Comment: Not observed in large population cohorts (Lek et al., 2016); In silico analysis supports that this missense variant has a deleterious effect on protein structure/function; Has not been previously published as pathogenic or benign to our knowledge

NM_003334.4(UBA1):c.1687G>T (p.Asp563Tyr)

Gene: UBA1 (ubiquitin like modifier activating enzyme 1; plus strand). Cytogenetic location: Xp11.3.
Variant type: single nucleotide variant.
Coding change: c.1687G>T on transcript NM_003334.4 (MANE Select); coding-DNA position 1687, G replaced by T.
Protein change: p.Asp563Tyr; replaces aspartic acid 563 with tyrosine.
Molecular consequence: missense variant.
Genome position (GRCh38, 1-based): chrX:47,206,059, G>T. VCF-style: chrX-47206059-G-T. GRCh37 (hg19) VCF-style: chrX-47065458-G-T.
Other names: c.1687G>T, p.Asp563Tyr (NM_153280.3); short protein forms D563Y.
Identifiers: ClinVar variation 1318791 (VCV001318791.6), dbSNP rs2147273137, ClinGen allele CA412801854.